The following is an entry in ClinVar:

ClinVar aggregate classification (germline): Uncertain significance (1 of 4 stars; one submission).

Conditions:
Primary ciliary dyskinesia. Also called: Ciliary dyskinesia. Identifiers: Orphanet 244, MedGen C0008780, MONDO:0016575, HP:0012265.

Submission:

Labcorp Genetics (formerly Invitae), Labcorp
Classification: Uncertain significance for Primary ciliary dyskinesia. Last evaluated: 2020-02-06. Review status: criteria provided, single submitter. Criteria: Invitae Variant Classification Sherloc (09022015). Collection method: clinical testing. Allele origin: germline.
Comment: Algorithms developed to predict the effect of missense changes on protein structure and function are either unavailable or do not agree on the potential impact of this missense change (SIFT: "Deleterious"; PolyPhen-2: "Probably Damaging"; Align-GVGD: "Class C0"). In summary, the available evidence is currently insufficient to determine the role of this variant in disease. Therefore, it has been classified as a Variant of Uncertain Significance. ClinVar contains an entry for this variant (Variation ID: 664712). This variant is not present in population databases (ExAC no frequency). This sequence change replaces proline with leucine at codon 4263 of the DNAH11 protein (p.Pro4263Leu). The proline residue is highly conserved and there is a moderate physicochemical difference between proline and leucine.

NM_001277115.2(DNAH11):c.12788C>T (p.Pro4263Leu)

Gene: DNAH11 (dynein axonemal heavy chain 11; plus strand). Cytogenetic location: 7p15.3.
Variant type: single nucleotide variant.
Coding change: c.12788C>T on transcript NM_001277115.2 (MANE Select); coding-DNA position 12788, C replaced by T.
Protein change: p.Pro4263Leu; replaces proline 4263 with leucine.
Molecular consequence: missense variant.
Genome position (GRCh38, 1-based): chr7:21,894,660, C>T. VCF-style: chr7-21894660-C-T. GRCh37 (hg19) VCF-style: chr7-21934278-C-T.
Other names: short protein forms P4263L.
Identifiers: ClinVar variation 664712 (VCV000664712.9), dbSNP rs1583820467, ClinGen allele CA366954337.